The following is an entry in ClinVar:

NM_000222.3(KIT):c.1693G>A (p.Gly565Arg)

Gene: KIT (KIT proto-oncogene, receptor tyrosine kinase; plus strand). Cytogenetic location: 4q12.
Variant type: single nucleotide variant.
Coding change: c.1693G>A on transcript NM_000222.3 (MANE Select); coding-DNA position 1693, G replaced by A.
Protein change: p.Gly565Arg; replaces glycine 565 with arginine.
Molecular consequence: missense variant.
Genome position (GRCh38, 1-based): chr4:54,727,461, G>A. VCF-style: chr4-54727461-G-A. GRCh37 (hg19) VCF-style: chr4-55593627-G-A.
Other names: c.1693G>A (NM_000222.2); c.1681G>A, p.Gly561Arg (NM_001093772.2, NM_001385286.1); c.1696G>A, p.Gly566Arg (NM_001385284.1, NM_001385290.1); c.1693G>A, p.Gly565Arg (NM_001385285.1); c.1684G>A, p.Gly562Arg (NM_001385288.1, NM_001385292.1); short protein forms G562R, G565R, G561R, G566R.
Identifiers: ClinVar variation 1506079 (VCV001506079.8), dbSNP rs1299476898, ClinGen allele CA356907504.

ClinVar aggregate classification (germline): Uncertain significance. Review status: criteria provided, multiple submitters, no conflicts (2 of 4 stars). 2 submissions from 2 submitters: Uncertain significance (2). Last evaluated 2025-01-26.
ClinVar aggregate classification (oncogenicity): Uncertain significance (0 of 4 stars; one submission).

Conditions:
Gastrointestinal stromal tumor. Also called: Gastrointestinal stromal tumor, somatic; Gastrointestinal stroma tumor. Identifiers: Orphanet 44890, MedGen C0238198, MeSH D046152, MONDO:0011719, OMIM 606764, HP:0100723.
Hereditary cancer-predisposing syndrome. Also called: Tumor predisposition; Neoplastic Syndromes, Hereditary; Hereditary Cancer Syndrome; Hereditary neoplastic syndrome. Identifiers: Orphanet 140162, MedGen C0027672, MeSH D009386, MONDO:0015356.

Submissions (3):

Labcorp Genetics (formerly Invitae), Labcorp
Classification: Uncertain significance for Gastrointestinal stromal tumor. Last evaluated: 2025-01-26. Review status: criteria provided, single submitter. Criteria: Invitae Variant Classification Sherloc (09022015). Collection method: clinical testing. Allele origin: germline.
Comment: This sequence change replaces glycine, which is neutral and non-polar, with arginine, which is basic and polar, at codon 565 of the KIT protein (p.Gly565Arg). This variant is not present in population databases (gnomAD no frequency). This variant has not been reported in the literature in individuals affected with KIT-related conditions. ClinVar contains an entry for this variant (Variation ID: 1506079). An algorithm developed to predict the effect of missense changes on protein structure and function (PolyPhen-2) suggests that this variant is likely to be disruptive. Algorithms developed to predict the effect of sequence changes on RNA splicing suggest that this variant may disrupt the consensus splice site. In summary, the available evidence is currently insufficient to determine the role of this variant in disease. Therefore, it has been classified as a Variant of Uncertain Significance.

Ambry Genetics
Classification: Uncertain significance for Hereditary cancer-predisposing syndrome. Last evaluated: 2023-10-04. Review status: criteria provided, single submitter. Criteria: Ambry Variant Classification Scheme 2023. Collection method: clinical testing. Allele origin: germline.
Comment: The p.G565R variant (also known as c.1693G>A), located in coding exon 11 of the KIT gene, results from a G to A substitution at nucleotide position 1693. The glycine at codon 565 is replaced by arginine, an amino acid with dissimilar properties. This amino acid position is highly conserved in available vertebrate species. In addition, this alteration is predicted to be deleterious by in silico analysis. Since supporting evidence is limited at this time, the clinical significance of this alteration remains unclear.

National Institute of Cancer Research, National Health Research Institutes
Classification: Uncertain significance for Gastrointestinal stromal tumor. Review status: no assertion criteria provided. Collection method: research. Allele origin: somatic. Observed: 2 variant alleles.
Comment: clinical data